The following is an entry in ClinVar:

ClinVar aggregate classification (germline): Pathogenic (1 of 4 stars; one submission).

Conditions:
Mitochondrial complex II deficiency, nuclear type 1. Also called: SUCCINATE CoQ REDUCTASE DEFICIENCY. Identifiers: Orphanet 3208, MedGen C5700310, MONDO:0100294, OMIM 252011.
Pheochromocytoma/paraganglioma syndrome 5. Also called: Paragangliomas 5; SDHA-Related Hereditary Paraganglioma-Pheochromocytoma Syndrome. Identifiers: Orphanet 29072, MedGen C3279992, MONDO:0013602, OMIM 614165.

Submission:

Labcorp Genetics (formerly Invitae), Labcorp
Classification: Pathogenic for Pheochromocytoma/paraganglioma syndrome 5; Mitochondrial complex II deficiency, nuclear type 1. Last evaluated: 2025-02-25. Review status: criteria provided, single submitter. Criteria: Invitae Variant Classification Sherloc (09022015). Collection method: clinical testing. Allele origin: germline.
Comment: This sequence change creates a premature translational stop signal (p.Tyr156*) in the SDHA gene. It is expected to result in an absent or disrupted protein product. Loss-of-function variants in SDHA are known to be pathogenic (PMID: 22974104, 24781757). This variant is not present in population databases (gnomAD no frequency). This variant has not been reported in the literature in individuals affected with SDHA-related conditions. ClinVar contains an entry for this variant (Variation ID: 1370664). For these reasons, this variant has been classified as Pathogenic.

Literature cited by the submitters: PubMed 22974104; PubMed 24781757.

NM_004168.4(SDHA):c.467dup (p.Tyr156Ter)

Gene: SDHA (succinate dehydrogenase complex flavoprotein subunit A; plus strand). Cytogenetic location: 5p15.33.
Variant type: Duplication.
Coding change: c.467dup on transcript NM_004168.4 (MANE Select); coding-DNA position 467, one base duplicated (A; older notation c.467dupA).
Protein change: p.Tyr156Ter; replaces tyrosine 156 with a stop codon.
Molecular consequence: nonsense.
Genome position (GRCh38, 1-based): chr5:225,893, A duplicated. VCF-style (leftmost placement, unchanged base first): chr5-225892-T-TA. GRCh37 (hg19) VCF-style: chr5-226007-T-TA.
Other names: c.323dup, p.Tyr108Ter (NM_001294332.2); c.467dup, p.Tyr156Ter (NM_001330758.2); short protein forms Y108*, Y156*.
Identifiers: ClinVar variation 1370664 (VCV001370664.6), dbSNP rs2126549281, ClinGen allele CA2573138543.